The following continues an entry in ClinVar:

NM_000218.3(KCNQ1):c.1766G>A (p.Gly589Asp)

Gene: KCNQ1. ClinVar aggregate classification (germline): Pathogenic. Pathogenic (1).

Submissions 6 to 10 of 10:

Color Diagnostics, LLC DBA Color Health
Classification: Pathogenic for Cardiac arrhythmia. Last evaluated: 2019-04-28. Review status: criteria provided, single submitter. Criteria: ACMG Guidelines, 2015. Collection method: clinical testing. Allele origin: germline. Not counted in ClinVar's aggregate classification.
Comment: This missense variant (also known as KCNQ1-Fin) replaces glycine with aspartic acid at codon 589 of the KCNQ1 protein. This variant is located in the C-terminal cytoplasmic coiled-coil domain that mediates tetramerization and formation of a functional channel. Computational prediction tools and conservation analyses are inconclusive regarding the impact of this variant on the protein function. Computational splicing tools suggest that this variant may not impact RNA splicing. Experimental functional studies have shown that this variant alters KCNQ1 channel function and hinders the channel complex transportation to the plasma membrane (PMID: 11216980, 22095730, 25344363, 28619993, 28785673). This variant is a well-known founder mutation in the Finnish population and occurs in 30% of Finnish individuals with long QT syndrome (PMID: 11216980, 27531917, 29622001, 29740400). Heterozygous carriers show a relatively benign clinical course, as only 10% of the carriers experiencing cardiac symptoms and their mean QTc was only moderately prolonged (PMID: 27531917). This variant has been reported in homozygosity in individuals affected with Jervell and Lange-Nielsen syndrome (PMID: 11216980, 29740400). This variant has been identified in 14/282342 chromosomes (14/24888 Finnish European chromosomes) in general populations by the Genome Aggregation Database (gnomAD). Based on available evidence, this variant is classified as Pathogenic.

GeneDx
Classification: Pathogenic. Last evaluated: 2016-11-22. Review status: criteria provided, single submitter. Criteria: GeneDx Variant Classification (06012015). Collection method: clinical testing. Allele origin: germline. Affected: yes. Not counted in ClinVar's aggregate classification.
Comment: The G589D pathogenic variant in the KCNQ1 gene has been reported multiple times in association with both LQTS and JLNS (Swan et al., 1999; Piippo et al., 2001; Saucerman et al., 2004; Marjamma et al., 2009; Kapplinger et al., 2009; Hintsa et al., 2010; Stattin et al., 2012). Several studies have reported G589D is a founder mutation in the Finnish population, with one study identifying the pathogenic G589D variant in 34 out of 114 Finnish individuals with autosomal dominant LQTS (Piippo et al., 2001; Marjamma et al., 2009). Furthermore, the G89D variant was not observed in approximately 6,500 individuals of European and African American ancestry in the NHLBI Exome Sequencing Project, and was not observed with any significant frequency in the Exome Aggregation Consortium (ExAC). G589D is a non-conservative amino acid substitution that is conserved across species. Multiple functional studies have demonstrated that G589D disrupts normal KCNQ1 channel function (Piippo et al., 2001; Saucerman et al., 2004; Heijman et al., 2012; Aromolaran et al., 2014). In addition, Kiviaho et al. (2015) reported that cardiomyocytes harboring G489D exhibited abnormal mechanical beating behavior with a prolonged phase of contracted state before relaxation. Finally, multiple pathogenic missense variants in nearby residues (T587M, A590T, R591H, R594P, R594Q) have been reported in the Human Gene Mutation Database in association with LQTS (Stenson et al., 2014), supporting the functional importance of this region of the protein.In summary, G589D in the KCNQ1 gene is interpreted as a pathogenic variant.

OMIM
Classification: Pathogenic for LONG QT SYNDROME 1. Last evaluated: 2001-02-01. Review status: no assertion criteria provided. Collection method: literature only. Allele origin: germline. Not counted in ClinVar's aggregate classification.

OMIM
Classification: Pathogenic for JERVELL AND LANGE-NIELSEN SYNDROME 1. Last evaluated: 2001-02-01. Review status: no assertion criteria provided. Collection method: literature only. Allele origin: germline. Not counted in ClinVar's aggregate classification.

Cardiovascular Biomedical Research Unit, Royal Brompton & Harefield NHS Foundation Trust
No classification provided. Condition: Familial long QT syndrome. Review status: no classification provided. Collection method: literature only. Allele origin: germline. Not counted in ClinVar's aggregate classification.
Comment: This variant has been reported as associated with Long QT syndrome in the following publications (PMID:10483966;PMID:11216980;PMID:12477631;PMID:12690509;PMID:17329209;PMID:19160088;PMID:19716085;PMID:20659946;PMID:12402336;PMID:17467628;PMID:17329207;PMID:11799244;PMID:22095730). This is a literature report, and does not necessarily reflect the clinical interpretation of the Imperial College / Royal Brompton Cardiovascular Genetics laboratory.

Literature cited by the submitters: PubMed 25344363 (cited by 3 submitters); PubMed 11799244 (cited by 3 submitters); PubMed 15528464 (cited by ClinGen Potassium Channel Arrhythmia Variant Curation Expert Panel, ClinGen and Ambry Genetics); PubMed 10483966 (cited by 3 submitters); PubMed 11216980 (cited by 4 submitters); PubMed 19160088 (cited by 3 submitters); PubMed 20659946 (cited by Labcorp Genetics (formerly Invitae), Labcorp and Cardiovascular Biomedical Research Unit, Royal Brompton & Harefield NHS Foundation Trust); PubMed 22629021 (cited by Labcorp Genetics (formerly Invitae), Labcorp); PubMed 23098067 (cited by Labcorp Genetics (formerly Invitae), Labcorp and Ambry Genetics); PubMed 28619993 (cited by Labcorp Genetics (formerly Invitae), Labcorp); PubMed 22095730 (cited by 3 submitters); PubMed 12477631 (cited by Ambry Genetics and Cardiovascular Biomedical Research Unit, Royal Brompton & Harefield NHS Foundation Trust); PubMed 15140888 (cited by Ambry Genetics); PubMed 18165683 (cited by Ambry Genetics); PubMed 20226272 (cited by Ambry Genetics); PubMed 12690509 (cited by Cardiovascular Biomedical Research Unit, Royal Brompton & Harefield NHS Foundation Trust); PubMed 17329209 (cited by Cardiovascular Biomedical Research Unit, Royal Brompton & Harefield NHS Foundation Trust); PubMed 19716085 (cited by Cardiovascular Biomedical Research Unit, Royal Brompton & Harefield NHS Foundation Trust); PubMed 12402336 (cited by Cardiovascular Biomedical Research Unit, Royal Brompton & Harefield NHS Foundation Trust); PubMed 17467628 (cited by Cardiovascular Biomedical Research Unit, Royal Brompton & Harefield NHS Foundation Trust); PubMed 17329207 (cited by Cardiovascular Biomedical Research Unit, Royal Brompton & Harefield NHS Foundation Trust); PubMed 22581653 (cited by Cardiovascular Biomedical Research Unit, Royal Brompton & Harefield NHS Foundation Trust).